The following is an entry in ClinVar:

NM_001843.4(CNTN1):c.2273C>T (p.Thr758Ile)

Gene: CNTN1 (contactin 1; plus strand). Cytogenetic location: 12q12.
Variant type: single nucleotide variant.
Coding change: c.2273C>T on transcript NM_001843.4 (MANE Select); coding-DNA position 2273, C replaced by T.
Protein change: p.Thr758Ile; replaces threonine 758 with isoleucine.
Molecular consequence: missense variant.
Genome position (GRCh38, 1-based): chr12:41,016,770, C>T. VCF-style: chr12-41016770-C-T. GRCh37 (hg19) VCF-style: chr12-41410572-C-T.
Other names: c.2240C>T, p.Thr747Ile (NM_175038.2); short protein forms T747I, T758I.
Identifiers: ClinVar variation 5008389 (VCV005008389.1).
Genomic context (GRCh38, chr12:41,016,770, plus strand): 5'-ACAATTTTGGTTACATAGTGGCATTTAAGCCATTTGATGGAGAAGAATGGAAAAAAGTCA[C>T]AGTTACTAATCCTGATACTGGCCGATATGTCCATAAAGATGAAACCATGAGCCCTTCCAC-3'
Protein context (NP_001834.2, residues 748-768): PFDGEEWKKV[Thr758Ile]VTNPDTGRYV

ClinVar aggregate classification (germline): Uncertain significance (1 of 4 stars; one submission).

gnomAD v4.1: 1 of 1,614,080 alleles (0.000062%); highest among the groups gnomAD compares: Non-Finnish European, 0.000085%; no homozygotes.

Submission:

GeneDx
Classification: Uncertain significance. Last evaluated: 2026-03-09. Review status: criteria provided, single submitter. Criteria: GeneDx Variant Classification Process June 2021. Collection method: clinical testing. Allele origin: germline.
Comment: Not observed at significant frequency in large population cohorts (gnomAD); In silico analysis suggests that this missense variant does not alter protein structure/function; Has not been previously published as pathogenic or benign to our knowledge